The following is an entry in ClinVar:

ClinVar aggregate classification (germline): Uncertain significance (1 of 4 stars; one submission).

Conditions:
Familial thoracic aortic aneurysm and aortic dissection (TAAD). Also called: Thoracic aortic aneurysms and dissections. Identifiers: Orphanet 91387, MedGen C4707243, MONDO:0019625.

Allele frequency attached by ClinVar (database versions not stated): gnomAD exomes below 0.00001; TOPMed below 0.00001; gnomAD 0.00001.
gnomAD v4.1: 7 of 1,613,800 alleles (0.00043%); highest among the groups gnomAD compares: Middle Eastern, 0.016%; no homozygotes.

Submission:

Ambry Genetics
Classification: Uncertain significance for Familial thoracic aortic aneurysm and aortic dissection. Last evaluated: 2023-03-16. Review status: criteria provided, single submitter. Criteria: Ambry Variant Classification Scheme 2023. Collection method: clinical testing. Allele origin: germline.
Comment: The p.G743R variant (also known as c.2227G>A), located in coding exon 17 of the MYH11 gene, results from a G to A substitution at nucleotide position 2227. The glycine at codon 743 is replaced by arginine, an amino acid with dissimilar properties. This amino acid position is conserved. In addition, this alteration is predicted to be deleterious by in silico analysis. Since supporting evidence is limited at this time, the clinical significance of this alteration remains unclear.

NM_002474.3(MYH11):c.2227G>A (p.Gly743Arg)

Gene: MYH11 (myosin heavy chain 11; minus strand). Cytogenetic location: 16p13.11.
Variant type: single nucleotide variant.
Coding change: c.2227G>A on transcript NM_002474.3 (MANE Select); coding-DNA position 2227, G replaced by A.
Protein change: p.Gly743Arg; replaces glycine 743 with arginine.
Molecular consequence: missense variant.
Genome position (GRCh38, 1-based): chr16:15,747,897, C>T on the plus strand (G>A on the coding strand, the complement: MYH11 is on the minus strand). VCF-style: chr16-15747897-C-T. GRCh37 (hg19) VCF-style: chr16-15841754-C-T.
Other names: c.2248G>A, p.Gly750Arg (NM_001040113.2, NM_001040114.2); c.2227G>A, p.Gly743Arg (NM_022844.3); short protein forms G743R, G750R.
Identifiers: ClinVar variation 2560413 (VCV002560413.2), dbSNP rs1031350298, ClinGen allele CA278636792.